The following is an entry in ClinVar:

ClinVar aggregate classification (germline): Likely benign. Review status: criteria provided, multiple submitters, no conflicts (2 of 4 stars). 4 submissions from 3 submitters: Likely benign (4). Last evaluated 2025-11-21.

Conditions:
RASopathy. Also called: Noonan spectrum disorder; rasopathies. Identifiers: Orphanet 536391, MedGen C5555857, MONDO:0021060.
Noonan syndrome 4 (NS4). Also called: NOONAN SYNDROME WITH PIGMENTED VILLONODULAR SYNOVITIS; SOS1-Related Noonan Syndrome. Identifiers: Orphanet 648, MedGen C1853120, MONDO:0012547, OMIM 610733.
Fibromatosis, gingival, 1 (GINGF1). Identifiers: Orphanet 2024, MedGen C4551558, MONDO:0007609, OMIM 135300.

Allele frequency attached by ClinVar (database versions not stated): TOPMed below 0.00001.

Submissions (4):

Labcorp Genetics (formerly Invitae), Labcorp
Classification: Likely benign for RASopathy. Last evaluated: 2025-11-21. Review status: criteria provided, single submitter. Criteria: Invitae Variant Classification Sherloc (09022015). Collection method: clinical testing. Allele origin: germline.

GeneDx
Classification: Likely benign. Last evaluated: 2021-06-07. Review status: criteria provided, single submitter. Criteria: GeneDx Variant Classification Process June 2021. Collection method: clinical testing. Allele origin: germline. Affected: yes.
Comment: This variant is associated with the following publications: (PMID: 27535533)

Genome-Nilou Lab
Classification: Likely benign for Noonan syndrome 4. Review status: criteria provided, single submitter. Criteria: ACMG Guidelines, 2015. Collection method: clinical testing. Allele origin: germline.

Genome-Nilou Lab
Classification: Likely benign for Fibromatosis, gingival, 1. Review status: criteria provided, single submitter. Criteria: ACMG Guidelines, 2015. Collection method: clinical testing. Allele origin: germline.

NM_005633.4(SOS1):c.1203-8T>C

Gene: SOS1 (SOS Ras/Rac guanine nucleotide exchange factor 1; minus strand). Cytogenetic location: 2p22.1.
Variant type: single nucleotide variant.
Coding change: c.1203-8T>C on transcript NM_005633.4 (MANE Select); 8 bases into the intron before coding-DNA position 1203, T replaced by C.
Molecular consequence: intron variant.
Genome position (GRCh38, 1-based): chr2:39,023,233, A>G on the plus strand (T>C on the coding strand, the complement: SOS1 is on the minus strand). VCF-style: chr2-39023233-A-G. GRCh37 (hg19) VCF-style: chr2-39250374-A-G.
Other names: c.1182-8T>C (NM_001382394.1); c.1203-8T>C (NM_001382395.1).
Identifiers: ClinVar variation 1245981 (VCV001245981.11), dbSNP rs1669853901, ClinGen allele CA1246140186.